The following is an entry in ClinVar:

NM_000059.4(BRCA2):c.9117G>T (p.Pro3039=)

Gene: BRCA2 (BRCA2 DNA repair associated; plus strand). Cytogenetic location: 13q13.1.
Variant type: single nucleotide variant.
Coding change: c.9117G>T on transcript NM_000059.4 (MANE Select); coding-DNA position 9117, G replaced by T.
Protein change: p.Pro3039=; no amino-acid change (proline 3039 retained).
Molecular consequence: synonymous variant.
Genome position (GRCh38, 1-based): chr13:32,379,913, G>T. VCF-style: chr13-32379913-G-T. GRCh37 (hg19) VCF-style: chr13-32954050-G-T.
Identifiers: ClinVar variation 267715 (VCV000267715.15), dbSNP rs28897756, ClinGen allele CA10602557.

ClinVar aggregate classification (germline): Pathogenic/Likely pathogenic. Review status: criteria provided, multiple submitters, no conflicts (2 of 4 stars). 3 submissions from 3 submitters: Pathogenic (1); Likely pathogenic (2). Last evaluated 2025-12-15.

Conditions:
Breast-ovarian cancer, familial, susceptibility to, 2 (BROVCA2). Also called: BRCA2 Hereditary Breast and Ovarian Cancer. Identifiers: Orphanet 145, MedGen C2675520, MONDO:0012933, OMIM 612555. Disease mechanism: loss of function.
Hereditary breast ovarian cancer syndrome. Also called: BRCA1- and BRCA2-Associated Hereditary Breast and Ovarian Cancer; Hereditary breast and ovarian cancer; Breast and ovarian cancer; Hereditary breast and/or ovarian cancer syndrome; Hereditary breast and ovarian cancer syndrome; Hereditary breast and ovarian cancer syndrome (HBOC). Identifiers: Orphanet 145, MedGen C0677776, MeSH D061325, MONDO:0003582. Disease mechanism: loss of function.

Submissions (3):

Labcorp Genetics (formerly Invitae), Labcorp
Classification: Likely pathogenic for Hereditary breast ovarian cancer syndrome. Last evaluated: 2025-12-15. Review status: criteria provided, single submitter. Criteria: Invitae Variant Classification Sherloc (09022015). Collection method: clinical testing. Allele origin: germline.
Comment: This sequence change affects codon 3039 of the BRCA2 mRNA. It is a 'silent' change, meaning that it does not change the encoded amino acid sequence of the BRCA2 protein. RNA analysis indicates that this variant induces altered splicing and may result in an absent or altered protein product. This variant is not present in population databases (gnomAD no frequency). This variant has been observed in individual(s) with breast cancer, ovarian cancer, or melanoma (PMID: 29446198, 29470806, 33077847). ClinVar contains an entry for this variant (Variation ID: 267715). Variants that disrupt the consensus splice site are a relatively common cause of aberrant splicing (PMID: 17576681, 9536098). Studies have shown that this variant results in skipping of exon 23, and produces a non-functional protein and/or introduces a premature termination codon (internal data). This variant disrupts the c.9117 nucleotide in the BRCA2 gene. Other variant(s) that disrupt this nucleotide have been determined to be pathogenic (PMID: 10638982, 17011978, 22632462, 23451180). This suggests that this nucleotide is clinically significant, and that variants that disrupt this position are likely to be disease-causing. In summary, the currently available evidence indicates that the variant is pathogenic, but additional data are needed to prove that conclusively. Therefore, this variant has been classified as Likely Pathogenic.

Women's Health and Genetics/Laboratory Corporation of America, LabCorp
Classification: Likely pathogenic for Hereditary breast ovarian cancer syndrome. Last evaluated: 2024-11-16. Review status: criteria provided, single submitter. Criteria: LabCorp Variant Classification Summary - May 2015. Collection method: clinical testing. Allele origin: germline.
Comment: Variant summary: BRCA2 c.9117G>T (p.Pro3039Pro) alters a conserved nucleotide located at the last nucleotide of exon 23 adjacent to a canonical 5' splice donor site and therefore could affect mRNA splicing, leading to a significantly altered protein sequence. Several computational tools predict a significant impact on normal splicing: Two predict the variant abolishes the canonical 5' splicing donor site. RNA analysis performed at our partner laboratory indicates that this variant induces altered splicing and may result in an absent or disrupted protein product due to skipping of exon 23 which introduces a premature termination codon (Internal data). The resulting mRNA is expected to undergo nonsense-mediated decay. The variant was absent in 248378 control chromosomes. c.9117G>T has been reported in the literature in at-least two individuals affected with familial breast cancer (example, Rebbeck_2018, Singh_2018). Of note, a different nucleotide change, c.9117G>A, resulting in the same synonymous alteration (p.Pro3039Pro) has been widely reported among individuals/families with breast cancer worldwide (example, Rebbeck_2018) and has been classified as pathogenic by our laboratory. These data indicate that the variant may be associated with disease. To our knowledge, no experimental evidence demonstrating an impact on protein function has been reported. The following publications have been ascertained in the context of this evaluation (PMID: 29446198, 29470806, Internal data). ClinVar contains an entry for this variant (Variation ID: 267715). Based on the evidence outlined above, the variant was classified as likely pathogenic.

Consortium of Investigators of Modifiers of BRCA1/2 (CIMBA), c/o University of Cambridge
Classification: Pathogenic for Breast-ovarian cancer, familial, susceptibility to, 2. Last evaluated: 2015-10-02. Review status: criteria provided, single submitter. Criteria: CIMBA Mutation Classification guidelines May 2016. Collection method: clinical testing. Allele origin: germline.

Literature cited by the submitters: PubMed 29446198 (cited by Labcorp Genetics (formerly Invitae), Labcorp and Women's Health and Genetics/Laboratory Corporation of America, LabCorp); PubMed 29470806 (cited by Labcorp Genetics (formerly Invitae), Labcorp and Women's Health and Genetics/Laboratory Corporation of America, LabCorp); PubMed 33077847 (cited by Labcorp Genetics (formerly Invitae), Labcorp); PubMed 17576681 (cited by Labcorp Genetics (formerly Invitae), Labcorp); PubMed 9536098 (cited by Labcorp Genetics (formerly Invitae), Labcorp); PubMed 10638982 (cited by Labcorp Genetics (formerly Invitae), Labcorp); PubMed 17011978 (cited by Labcorp Genetics (formerly Invitae), Labcorp); PubMed 22632462 (cited by Labcorp Genetics (formerly Invitae), Labcorp); PubMed 23451180 (cited by Labcorp Genetics (formerly Invitae), Labcorp).